The following is an entry in ClinVar:

NM_018112.3(TMEM38B):c.794A>G (p.Asn265Ser)

Gene: TMEM38B (transmembrane protein 38B; plus strand). Cytogenetic location: 9q31.2.
Variant type: single nucleotide variant.
Coding change: c.794A>G on transcript NM_018112.3 (MANE Select); coding-DNA position 794, A replaced by G.
Protein change: p.Asn265Ser; replaces asparagine 265 with serine.
Molecular consequence: missense variant.
Genome position (GRCh38, 1-based): chr9:105,773,998, A>G. VCF-style: chr9-105773998-A-G. GRCh37 (hg19) VCF-style: chr9-108536279-A-G.
Other names: c.794A>G (NM_018112.1); short protein forms N265S.
Identifiers: ClinVar variation 1490693 (VCV001490693.6), dbSNP rs144909965, ClinGen allele CA5171014.

ClinVar aggregate classification (germline): Uncertain significance. Review status: criteria provided, multiple submitters, no conflicts (2 of 4 stars). 2 submissions from 2 submitters: Uncertain significance (2). Last evaluated 2025-01-04.

Conditions:
Inborn genetic diseases. Identifiers: MedGen C0950123, MeSH D030342.

Allele frequency attached by ClinVar (database versions not stated): gnomAD exomes 0.00004 and 0.00010; ExAC 0.00011; ESP Exome Variant Server 0.00015; gnomAD 0.00023 and 0.00026; TOPMed 0.00024.
gnomAD v4.1: 90 of 1,613,676 alleles (0.0056%); highest among the groups gnomAD compares: African/African-American, 0.095%; 1 homozygote.

Submissions (2):

Ambry Genetics
Classification: Uncertain significance for Inborn genetic diseases. Last evaluated: 2025-01-04. Review status: criteria provided, single submitter. Criteria: Ambry Variant Classification Scheme 2023. Collection method: clinical testing. Allele origin: germline.

Labcorp Genetics (formerly Invitae), Labcorp
Classification: Uncertain significance. Last evaluated: 2022-07-19. Review status: criteria provided, single submitter. Criteria: Invitae Variant Classification Sherloc (09022015). Collection method: clinical testing. Allele origin: germline.
Comment: This variant is present in population databases (rs144909965, gnomAD 0.1%). In summary, the available evidence is currently insufficient to determine the role of this variant in disease. Therefore, it has been classified as a Variant of Uncertain Significance. Algorithms developed to predict the effect of missense changes on protein structure and function output the following: SIFT: "Tolerated"; PolyPhen-2: "Benign"; Align-GVGD: "Class C0". The serine amino acid residue is found in multiple mammalian species, which suggests that this missense change does not adversely affect protein function. ClinVar contains an entry for this variant (Variation ID: 1490693). This variant has not been reported in the literature in individuals affected with TMEM38B-related conditions. This sequence change replaces asparagine, which is neutral and polar, with serine, which is neutral and polar, at codon 265 of the TMEM38B protein (p.Asn265Ser).